The following is an entry in ClinVar:

NM_001031711.3(ERGIC1):c.652G>A (p.Ala218Thr)

Gene: ERGIC1 (endoplasmic reticulum-golgi intermediate compartment 1; plus strand). Cytogenetic location: 5q35.1.
Variant type: single nucleotide variant.
Coding change: c.652G>A on transcript NM_001031711.3 (MANE Select); coding-DNA position 652, G replaced by A.
Protein change: p.Ala218Thr; replaces alanine 218 with threonine.
Molecular consequence: missense variant.
Genome position (GRCh38, 1-based): chr5:172,935,197, G>A. VCF-style: chr5-172935197-G-A. GRCh37 (hg19) VCF-style: chr5-172362200-G-A.
Other names: c.652G>A (NM_001031711.2); short protein forms A218T.
Identifiers: ClinVar variation 2656081 (VCV002656081.25), dbSNP rs141880390, ClinGen allele CA3562466.

ClinVar aggregate classification (germline): Likely benign. Review status: criteria provided, single submitter (1 of 4 stars). 2 submissions from 2 submitters: Likely benign (1). 1 of the submissions does not count toward it. Last evaluated 2023-05-01.

Conditions:
ERGIC1-related disorder. Also called: ERGIC1-related condition.

Allele frequency attached by ClinVar (database versions not stated): 1000 Genomes Project 0.00140; 1000 Genomes Project 30x 0.00141; ExAC 0.00210; gnomAD 0.00219; TOPMed 0.00221; ESP Exome Variant Server 0.00231.
gnomAD v4.1: 3,996 of 1,613,936 alleles (0.25%); highest among the groups gnomAD compares: Middle Eastern, 0.31%; 15 homozygotes.

Submissions (2):

CeGaT Center for Human Genetics Tuebingen
Classification: Likely benign. Last evaluated: 2023-05-01. Review status: criteria provided, single submitter. Criteria: CeGaT Center For Human Genetics Tuebingen Variant Classification Criteria Version 2. Collection method: clinical testing. Allele origin: germline. Affected: yes. Observed: 1 variant allele.
Comment: ERGIC1: BP4, BS2

PreventionGenetics, part of Exact Sciences
Classification: Likely benign for ERGIC1-related condition. Last evaluated: 2019-08-06. Review status: no assertion criteria provided. Collection method: clinical testing. Allele origin: germline. Not counted in ClinVar's aggregate classification.
Comment: This variant is classified as likely benign based on ACMG/AMP sequence variant interpretation guidelines (Richards et al. 2015 PMID: 25741868, with internal and published modifications).